The following is an entry in ClinVar:

NM_144687.4(NLRP12):c.1313A>G (p.Tyr438Cys)

Gene: NLRP12 (NLR family pyrin domain containing 12; minus strand). Cytogenetic location: 19q13.42.
Variant type: single nucleotide variant.
Coding change: c.1313A>G on transcript NM_144687.4 (MANE Select); coding-DNA position 1313, A replaced by G.
Protein change: p.Tyr438Cys; replaces tyrosine 438 with cysteine.
Molecular consequence: missense variant.
Genome position (GRCh38, 1-based): chr19:53,810,346, T>C on the plus strand (A>G on the coding strand, the complement: NLRP12 is on the minus strand). VCF-style: chr19-53810346-T-C. GRCh37 (hg19) VCF-style: chr19-54313600-T-C.
Other names: c.1313A>G, p.Tyr438Cys (NM_001277126.2, NM_001277129.1); short protein forms Y438C.
Identifiers: ClinVar variation 3707993 (VCV003707993.2).

ClinVar aggregate classification (germline): Uncertain significance (1 of 4 stars; one submission).

Conditions:
Familial cold autoinflammatory syndrome 2 (FCAS2). Identifiers: Orphanet 247868, MedGen C2673198, MONDO:0012724, OMIM 611762.

gnomAD v4.1: 1 of 1,613,454 alleles (0.000062%); highest among the groups gnomAD compares: Middle Eastern, 0.016%; no homozygotes.

Submission:

Labcorp Genetics (formerly Invitae), Labcorp
Classification: Uncertain significance for Familial cold autoinflammatory syndrome 2. Last evaluated: 2024-05-19. Review status: criteria provided, single submitter. Criteria: Invitae Variant Classification Sherloc (09022015). Collection method: clinical testing. Allele origin: germline.
Comment: This sequence change replaces tyrosine, which is neutral and polar, with cysteine, which is neutral and slightly polar, at codon 438 of the NLRP12 protein (p.Tyr438Cys). This variant is not present in population databases (gnomAD no frequency). This variant has not been reported in the literature in individuals affected with NLRP12-related conditions. Advanced modeling of protein sequence and biophysical properties (such as structural, functional, and spatial information, amino acid conservation, physicochemical variation, residue mobility, and thermodynamic stability) has been performed at Invitae for this missense variant, however the output from this modeling did not meet the statistical confidence thresholds required to predict the impact of this variant on NLRP12 protein function. In summary, the available evidence is currently insufficient to determine the role of this variant in disease. Therefore, it has been classified as a Variant of Uncertain Significance.